The following is an entry in ClinVar:

NM_004252.5(NHERF1):c.441+13_441+14inv

Genes: NHERF1 (NHERF family PDZ scaffold protein 1; plus strand), SLC9A3R1-AS1 (SLC9A3R1 antisense RNA 1; minus strand). Cytogenetic location: 17q25.1.
Variant type: Inversion.
Coding change: c.441+13_441+14inv on transcript NM_004252.5 (MANE Select).
Molecular consequence: intron variant. On other transcripts: non-coding transcript variant (1).
Genome position: GRCh38 VCF-style: chr17-74749300-CA-TG. GRCh37 (hg19) VCF-style: chr17-72745439-CA-TG.
Identifiers: ClinVar variation 2994467 (VCV002994467.3), ClinGen allele CA2740093914.

ClinVar aggregate classification (germline): Uncertain significance (1 of 4 stars; one submission).

Submission:

Labcorp Genetics (formerly Invitae), Labcorp
Classification: Uncertain significance. Last evaluated: 2023-11-04. Review status: criteria provided, single submitter. Criteria: Invitae Variant Classification Sherloc (09022015). Collection method: clinical testing. Allele origin: germline.
Comment: This sequence change falls in intron 1 of the SLC9A3R1 gene. It does not directly change the encoded amino acid sequence of the SLC9A3R1 protein. Information on the frequency of this variant in the gnomAD database is not available, as this variant may be reported differently in the database. This variant has not been reported in the literature in individuals affected with SLC9A3R1-related conditions. In summary, the available evidence is currently insufficient to determine the role of this variant in disease. Therefore, it has been classified as a Variant of Uncertain Significance.